The following is an entry in ClinVar:

ClinVar aggregate classification (germline): Pathogenic (1 of 4 stars; one submission).

Conditions:
Hereditary cancer-predisposing syndrome. Also called: Neoplastic Syndromes, Hereditary; Tumor predisposition; Hereditary Cancer Syndrome; Hereditary neoplastic syndrome. Identifiers: Orphanet 140162, MedGen C0027672, MeSH D009386, MONDO:0015356.

Submission:

Ambry Genetics
Classification: Pathogenic for Hereditary cancer-predisposing syndrome. Last evaluated: 2025-12-16. Review status: criteria provided, single submitter. Criteria: Ambry Variant Classification Scheme 2023. Collection method: clinical testing. Allele origin: germline.
Comment: The c.935delG pathogenic mutation, located in coding exon 11 of the BAP1 gene, results from a deletion of one nucleotide at nucleotide position 935, causing a translational frameshift with a predicted alternate stop codon (p.G312Vfs*23). This variant is considered to be rare based on population cohorts in the Genome Aggregation Database (gnomAD). This alteration is expected to result in loss of function by premature protein truncation or nonsense-mediated mRNA decay. As such, this alteration is interpreted as a disease-causing mutation.

NM_004656.4(BAP1):c.935del (p.Gly312fs)

Gene: BAP1 (BRCA1 associated deubiquitinase 1; minus strand). Cytogenetic location: 3p21.1.
Variant type: Deletion.
Coding change: c.935del on transcript NM_004656.4 (MANE Select); coding-DNA position 935, one base deleted (G; older notation c.935delG).
Protein change: p.Gly312fs; shifts the reading frame from glycine 312.
Molecular consequence: frameshift variant.
Genome position (GRCh38, 1-based): chr3:52,405,291, C deleted on the plus strand (G on the coding strand, the reverse complement: BAP1 is on the minus strand); the first of 2 consecutive C bases (chr3:52,405,291-52,405,292); deleting either gives the same sequence. VCF-style (leftmost placement, unchanged base first): chr3-52405290-AC-A. GRCh37 (hg19) VCF-style: chr3-52439306-AC-A.
Other names: c.881del, p.Gly294fs (NM_001410772.1); c.935delG (NM_004656.2); short protein forms G312fs, G294fs.
Identifiers: ClinVar variation 4842542 (VCV004842542.1).